The following is an entry in ClinVar:

ClinVar aggregate classification (germline): Pathogenic. Review status: criteria provided, multiple submitters, no conflicts (2 of 4 stars). 3 submissions from 3 submitters: Pathogenic (3). Last evaluated 2018-04-19.

Conditions:
Hereditary cancer-predisposing syndrome. Also called: Hereditary Cancer Syndrome; Neoplastic Syndromes, Hereditary; Tumor predisposition; Hereditary neoplastic syndrome. Identifiers: Orphanet 140162, MedGen C0027672, MeSH D009386, MONDO:0015356.
Birt-Hogg-Dube syndrome. Also called: Birt Hogg Dubé syndrome. Identifiers: Orphanet 122, MedGen C0346010, MONDO:0800444.

Submissions (3):

Ambry Genetics
Classification: Pathogenic for Hereditary cancer-predisposing syndrome. Last evaluated: 2018-04-19. Review status: criteria provided, single submitter. Criteria: Ambry Variant Classification Scheme 2023. Collection method: clinical testing. Allele origin: germline.
Comment: The p.W186* pathogenic mutation (also known as c.557G>A), located in coding exon 3 of the FLCN gene, results from a G to A substitution at nucleotide position 557. This changes the amino acid from a tryptophan to a stop codon within coding exon 3. This alteration is expected to result in loss of function by premature protein truncation or nonsense-mediated mRNA decay. As such, this alteration is interpreted as a disease-causing mutation.

GeneDx
Classification: Pathogenic. Last evaluated: 2017-04-17. Review status: criteria provided, single submitter. Criteria: GeneDx Variant Classification (06012015). Collection method: clinical testing. Allele origin: germline. Affected: yes.
Comment: The W186X nonsense variant in the FLCN gene has not been published as a pathogenic variant, nor has it been reported as a benign variant to our knowledge. This variant is predicted to cause loss of normal protein function either through protein truncation or nonsense-mediated mRNA decay. Based on currently available evidence, we consider W186X to be pathogenic.

Labcorp Genetics (formerly Invitae), Labcorp
Classification: Pathogenic for Birt-Hogg-Dube syndrome. Last evaluated: 2016-10-08. Review status: criteria provided, single submitter. Criteria: Invitae Variant Classification Sherloc (09022015). Collection method: clinical testing. Allele origin: germline.
Comment: For these reasons, this variant has been classified as Pathogenic. While this particular variant has not been reported in the literature, loss-of-function variants in FLCN are known to be pathogenic (PMID: 15852235). ClinVar contains an entry for this variant (Variation ID: 230137). This sequence change creates a premature translational stop signal at codon 186 (p.Trp186*) of the FLCN gene. It is expected to result in an absent or disrupted protein product.

Literature cited by the submitters: PubMed 15852235 (cited by Labcorp Genetics (formerly Invitae), Labcorp).

NM_144997.7(FLCN):c.557G>A (p.Trp186Ter)

Gene: FLCN (folliculin; minus strand). Cytogenetic location: 17p11.2.
Variant type: single nucleotide variant.
Coding change: c.557G>A on transcript NM_144997.7 (MANE Select); coding-DNA position 557, G replaced by A.
Protein change: p.Trp186Ter; replaces tryptophan 186 with a stop codon.
Molecular consequence: nonsense.
Genome position (GRCh38, 1-based): chr17:17,223,983, C>T on the plus strand (G>A on the coding strand, the complement: FLCN is on the minus strand). VCF-style: chr17-17223983-C-T. GRCh37 (hg19) VCF-style: chr17-17127297-C-T.
Other names: c.611G>A, p.Trp204Ter (NM_001353229.2); c.557G>A, p.Trp186Ter (NM_001353230.2, NM_001353231.2, NM_144606.7); c.557G>A (LRG_325t1); short protein forms W186*, W204*.
Identifiers: ClinVar variation 230137 (VCV000230137.10), dbSNP rs876658409, ClinGen allele CA10580173.
Genomic context (GRCh38, chr17:17,223,983, plus strand): 5'-TTGAGCGCCTTGCCCTGGAGCTCATCGATGATTCCCCGGACCTTCCCCAGCAGGAAGGGC[C>T]AGGAGTTGATGAGGTAGATCCGGTCCATCATGATGGTGATGATGCTGTACCAGCGCTGGA-3'